The following is an entry in ClinVar:

NM_002439.5(MSH3):c.883C>T (p.Arg295Cys)

Gene: MSH3 (mutS homolog 3; plus strand). Cytogenetic location: 5q14.1.
Variant type: single nucleotide variant.
Coding change: c.883C>T on transcript NM_002439.5 (MANE Select); coding-DNA position 883, C replaced by T.
Protein change: p.Arg295Cys; replaces arginine 295 with cysteine.
Molecular consequence: missense variant.
Genome position (GRCh38, 1-based): chr5:80,672,334, C>T. VCF-style: chr5-80672334-C-T. GRCh37 (hg19) VCF-style: chr5-79968153-C-T.
Other names: c.883C>T (NM_002439.3); short protein forms R295C.
Identifiers: ClinVar variation 643403 (VCV000643403.12), dbSNP rs748004338, ClinGen allele CA3327733.

ClinVar aggregate classification (germline): Uncertain significance. Review status: criteria provided, multiple submitters, no conflicts (2 of 4 stars). 2 submissions from 2 submitters: Uncertain significance (2). Last evaluated 2025-10-09.

Conditions:
Hereditary cancer-predisposing syndrome. Also called: Neoplastic Syndromes, Hereditary; Tumor predisposition; Hereditary neoplastic syndrome; Hereditary Cancer Syndrome. Identifiers: Orphanet 140162, MedGen C0027672, MeSH D009386, MONDO:0015356.

Allele frequency attached by ClinVar (database versions not stated): gnomAD exomes 0.00001; ExAC 0.00002.

Submissions (2):

Labcorp Genetics (formerly Invitae), Labcorp
Classification: Uncertain significance. Last evaluated: 2025-10-09. Review status: criteria provided, single submitter. Criteria: Invitae Variant Classification Sherloc (09022015). Collection method: clinical testing. Allele origin: germline.
Comment: This sequence change replaces arginine, which is basic and polar, with cysteine, which is neutral and slightly polar, at codon 295 of the MSH3 protein (p.Arg295Cys). This variant is present in population databases (rs748004338, gnomAD 0.004%). This variant has not been reported in the literature in individuals affected with MSH3-related conditions. ClinVar contains an entry for this variant (Variation ID: 643403). An algorithm developed to predict the effect of missense changes on protein structure and function (PolyPhen-2) suggests that this variant is likely to be disruptive. In summary, the available evidence is currently insufficient to determine the role of this variant in disease. Therefore, it has been classified as a Variant of Uncertain Significance.

Ambry Genetics
Classification: Uncertain significance for Hereditary cancer-predisposing syndrome. Last evaluated: 2025-08-11. Review status: criteria provided, single submitter. Criteria: Ambry Variant Classification Scheme 2023. Collection method: clinical testing. Allele origin: germline.
Comment: The p.R295C variant (also known as c.883C>T), located in coding exon 5 of the MSH3 gene, results from a C to T substitution at nucleotide position 883. The arginine at codon 295 is replaced by cysteine, an amino acid with highly dissimilar properties. This amino acid position is conserved. In addition, this alteration is predicted to be deleterious by in silico analysis. Since supporting evidence is limited at this time, the clinical significance of this alteration remains unclear.